The following is an entry in ClinVar:

NM_032043.3(BRIP1):c.508-2A>C

Gene: BRIP1 (BRCA1 interacting DNA helicase 1; minus strand). Cytogenetic location: 17q23.2.
Variant type: single nucleotide variant.
Coding change: c.508-2A>C on transcript NM_032043.3 (MANE Select); the canonical splice acceptor site of the intron before coding-DNA position 508, A replaced by C.
Molecular consequence: splice acceptor variant.
Genome position (GRCh38, 1-based): chr17:61,847,222, T>G on the plus strand (A>C on the coding strand, the complement: BRIP1 is on the minus strand). VCF-style: chr17-61847222-T-G. GRCh37 (hg19) VCF-style: chr17-59924583-T-G.
Identifiers: ClinVar variation 1066430 (VCV001066430.10), dbSNP rs876659707, ClinGen allele CA400483490.

ClinVar aggregate classification (germline): Pathogenic/Likely pathogenic. Review status: criteria provided, multiple submitters, no conflicts (2 of 4 stars). 2 submissions from 2 submitters: Pathogenic (1); Likely pathogenic (1). Last evaluated 2024-12-02.

Conditions:
Familial cancer of breast. Also called: Hereditary breast cancer; BREAST CANCER, FAMILIAL; hereditary breast carcinoma. Identifiers: Orphanet 227535, MedGen C0346153, MONDO:0016419, OMIM 114480. Disease mechanism: loss of function.
Fanconi anemia complementation group J. Also called: BRIP1-Related Fanconi Anemia. Identifiers: Orphanet 84, MedGen C1836860, MONDO:0012187, OMIM 609054.

Submissions (2):

Labcorp Genetics (formerly Invitae), Labcorp
Classification: Pathogenic for Familial cancer of breast; Fanconi anemia complementation group J. Last evaluated: 2024-12-02. Review status: criteria provided, single submitter. Criteria: Invitae Variant Classification Sherloc (09022015). Collection method: clinical testing. Allele origin: germline.
Comment: This sequence change affects an acceptor splice site in intron 5 of the BRIP1 gene. RNA analysis indicates that disruption of this splice site induces altered splicing and may result in an absent or altered protein product. This variant is not present in population databases (gnomAD no frequency). This variant has not been reported in the literature in individuals affected with BRIP1-related conditions. ClinVar contains an entry for this variant (Variation ID: 1066430). Studies have shown that disruption of this splice site results in activation of a cryptic splice site, and produces a non-functional protein and/or introduces a premature termination codon (internal data). For these reasons, this variant has been classified as Pathogenic.

Fulgent Genetics
Classification: Likely pathogenic for Familial cancer of breast; Fanconi anemia complementation group J. Last evaluated: 2024-05-13. Review status: criteria provided, single submitter. Criteria: ACMG Guidelines, 2015. Collection method: clinical testing. Allele origin: germline.